The following is an entry in ClinVar:

NM_000037.4(ANK1):c.5395-1731T>C

Gene: ANK1 (ankyrin 1; minus strand). Cytogenetic location: 8p11.21.
Variant type: single nucleotide variant.
Coding change: c.5395-1731T>C on transcript NM_000037.4 (MANE Select); 1731 bases into the intron before coding-DNA position 5395, T replaced by C.
Molecular consequence: intron variant.
Genome position (GRCh38, 1-based): chr8:41,665,473, A>G on the plus strand (T>C on the coding strand, the complement: ANK1 is on the minus strand). VCF-style: chr8-41665473-A-G. GRCh37 (hg19) VCF-style: chr8-41522991-A-G.
Other names: c.5518-1731T>C (NM_001142446.2); c.4909-1731T>C (NM_020477.3); c.5395-1731T>C (NM_020475.3, NM_020476.3).
Identifiers: ClinVar variation 1247613 (VCV001247613.3), dbSNP rs508419, ClinGen allele CA12723356.

ClinVar aggregate classification (germline): Benign. Review status: criteria provided, multiple submitters, no conflicts (2 of 4 stars). 2 submissions from 2 submitters: Benign (2). Last evaluated 2018-11-10.

Allele frequency attached by ClinVar (database versions not stated): TOPMed 0.74399; 1000 Genomes Project 30x 0.78076; 1000 Genomes Project 0.78315.
gnomAD v4.1: 274,925 of 360,140 alleles (76%); highest among the groups gnomAD compares: East Asian, 86%; 105,396 homozygotes.

Submissions (2):

GeneDx
Classification: Benign. Last evaluated: 2018-11-10. Review status: criteria provided, single submitter. Criteria: GeneDx Variant Classification Process June 2021. Collection method: clinical testing. Allele origin: germline. Affected: yes.
Comment: This variant is associated with the following publications: (PMID: 27121283)

Breakthrough Genomics
Classification: Benign. Review status: criteria provided, single submitter. Criteria: ACMG Guidelines, 2015. Collection method: not provided. Allele origin: germline. Inheritance: Autosomal dominant inheritance. Affected: yes.